The following is an entry in ClinVar:

NM_000155.4(GALT):c.998G>A (p.Arg333Gln)

Gene: GALT (galactose-1-phosphate uridylyltransferase; plus strand). Cytogenetic location: 9p13.3.
Variant type: single nucleotide variant.
Coding change: c.998G>A on transcript NM_000155.4 (MANE Select); coding-DNA position 998, G replaced by A.
Protein change: p.Arg333Gln; replaces arginine 333 with glutamine.
Molecular consequence: missense variant.
Genome position (GRCh38, 1-based): chr9:34,649,503, G>A. VCF-style: chr9-34649503-G-A. GRCh37 (hg19) VCF-style: chr9-34649500-G-A.
Other names: c.671G>A, p.Arg224Gln (NM_001258332.2); short protein forms R333Q, R224Q.
Identifiers: ClinVar variation 38288 (VCV000038288.23), dbSNP rs111033808, ClinGen allele CA259561.

ClinVar aggregate classification (germline): Pathogenic. Review status: criteria provided, multiple submitters, no conflicts (2 of 4 stars). 8 submissions from 8 submitters: Pathogenic (7). 1 of the submissions does not count toward it. Last evaluated 2026-06-24.

Conditions:
GALT-related disorder. Also called: GALT-related condition.
Galactosemia. Also called: Galactose intolerance. Identifiers: Orphanet 352, MedGen C0016952, MONDO:0018116, HP:0004919. Disease mechanism: loss of function.
Deficiency of UDPglucose-hexose-1-phosphate uridylyltransferase. Also called: GALACTOSE-1-PHOSPHATE URIDYLYLTRANSFERASE DEFICIENCY; Transferase Deficiency Galactosemia; GALACTOSEMIA I; GALT deficiency; Galactosemia, classic. Identifiers: Orphanet 352, Orphanet 79239, MedGen C0268151, MONDO:0009258, OMIM 230400.

Allele frequency attached by ClinVar (database versions not stated): ExAC 0.00002; gnomAD 0.00001 and 0.00002; TOPMed 0.00001; gnomAD exomes 0.00002.

Submissions (8):

PreventionGenetics, part of Exact Sciences
Classification: Pathogenic for GALT-related condition. Last evaluated: 2026-06-24. Review status: criteria provided, single submitter. Criteria: ACMG Guidelines, 2015. Collection method: clinical testing. Allele origin: germline.
Comment: The GALT c.998G>A variant is predicted to result in the amino acid substitution p.Arg333Gln. This variant has been reported to be pathogenic for galactosaemia due to significantly decreased enzyme activity (see for example, Tyfield et al. 1999. PubMed ID: 10408771; Table S1, Facchiano et al. 2009. PubMed ID: 20008339; Hirokawa et al. 1999. PubMed ID: 10573007). This variant is reported in 0.010% of alleles in individuals of East Asian descent in gnomAD. This variant is interpreted as pathogenic.

Natera, Inc.
Classification: Pathogenic for Galactosemia. Last evaluated: 2025-08-10. Review status: criteria provided, single submitter. Criteria: Natera Variant Classification Schema (03/2026). Collection method: clinical testing. Allele origin: germline.
Comment: The c.998G>A variant in GALT is a missense variant predicted to cause substitution of arginine to glutamine at amino acid 333. This variant is rare in the general population with a frequency below the threshold expected for the associated phenotype(s). This variant has been observed in one or more individuals affected with the associated recessive disease, as either homozygous or compound heterozygous with a second variant (PMID: 25124065, 10573007, 9686364). Given the available evidence, this variant is classified as Pathogenic.

Women's Health and Genetics/Laboratory Corporation of America, LabCorp
Classification: Pathogenic for Deficiency of UDPglucose-hexose-1-phosphate uridylyltransferase. Last evaluated: 2025-07-22. Review status: criteria provided, single submitter. Criteria: LabCorp Variant Classification Summary - May 2015. Collection method: clinical testing. Allele origin: germline.
Comment: Variant summary: GALT c.998G>A (p.Arg333Gln) results in a conservative amino acid change in the encoded protein sequence. Algorithms developed to predict the effect of missense changes on protein structure and function are either unavailable or do not agree on the potential impact of this missense change. The variant allele was found at a frequency of 2.4e-05 in 251470 control chromosomes. c.998G>A has been observed in individual(s) affected with Galactosemia (examples: Choi_2014,Hirokawa_1999). These data indicate that the variant is likely to be associated with disease. A different variant affecting the same codon has been classified as pathogenic by our lab (c.997C>T, p.Arg333Trp), supporting the critical relevance of codon 333 to GALT protein function. The following publications have been ascertained in the context of this evaluation (PMID: 25124065, 10573007). ClinVar contains an entry for this variant (Variation ID: 38288). Based on the evidence outlined above, the variant was classified as pathogenic.

Baylor Genetics
Classification: Pathogenic for Deficiency of UDPglucose-hexose-1-phosphate uridylyltransferase. Last evaluated: 2024-03-24. Review status: criteria provided, single submitter. Criteria: ACMG Guidelines, 2015. Collection method: clinical testing. Allele origin: unknown.

Labcorp Genetics (formerly Invitae), Labcorp
Classification: Pathogenic for Deficiency of UDPglucose-hexose-1-phosphate uridylyltransferase. Last evaluated: 2023-12-01. Review status: criteria provided, single submitter. Criteria: Invitae Variant Classification Sherloc (09022015). Collection method: clinical testing. Allele origin: germline.
Comment: This sequence change replaces arginine, which is basic and polar, with glutamine, which is neutral and polar, at codon 333 of the GALT protein (p.Arg333Gln). This variant is present in population databases (rs111033808, gnomAD 0.01%). This missense change has been observed in individual(s) with classic galactosemia (PMID: 10573007, 25124065). ClinVar contains an entry for this variant (Variation ID: 38288). Advanced modeling of protein sequence and biophysical properties (such as structural, functional, and spatial information, amino acid conservation, physicochemical variation, residue mobility, and thermodynamic stability) has been performed at Invitae for this missense variant, however the output from this modeling did not meet the statistical confidence thresholds required to predict the impact of this variant on GALT protein function. Experimental studies have shown that this missense change affects GALT function (PMID: 10573007). This variant disrupts the p.Arg333 amino acid residue in GALT. Other variant(s) that disrupt this residue have been determined to be pathogenic (PMID: 1897530, 10384398, 10399107, 18207281, 19181333, 25592817). This suggests that this residue is clinically significant, and that variants that disrupt this residue are likely to be disease-causing. For these reasons, this variant has been classified as Pathogenic.

GeneDx
Classification: Pathogenic. Last evaluated: 2023-06-09. Review status: criteria provided, single submitter. Criteria: GeneDx Variant Classification Process June 2021. Collection method: clinical testing. Allele origin: germline. Affected: yes.
Comment: Published functional studies in COS cells demonstrate 29% GALT activity compared to wild-type suggestive of a mild genetic variant (Hirokawa et al., 1999); Not observed at significant frequency in large population cohorts (gnomAD); In silico analysis supports that this missense variant has a deleterious effect on protein structure/function; This variant is associated with the following publications: (PMID: 20008339, 25124065, 10408771, 10573007, 9686364, 31637888, 34426522)

Mayo Clinic Laboratories, Mayo Clinic
Classification: Pathogenic. Last evaluated: 2023-03-28. Review status: criteria provided, single submitter. Criteria: ACMG Guidelines, 2015. Collection method: clinical testing. Allele origin: germline. Observed: 1 variant allele.
Comment: PP3, PP4, PM2, PM3, PM5, PS3

Counsyl
Classification: Likely pathogenic for Deficiency of UDPglucose-hexose-1-phosphate uridylyltransferase. Last evaluated: 2016-01-21. Review status: no assertion criteria provided. Collection method: clinical testing. Allele origin: unknown. Not counted in ClinVar's aggregate classification.

Literature cited by the submitters: PubMed 25124065 (cited by 5 submitters); PubMed 10573007 (cited by 5 submitters); PubMed 9686364 (cited by 3 submitters); PubMed 1897530 (cited by Labcorp Genetics (formerly Invitae), Labcorp); PubMed 10384398 (cited by Labcorp Genetics (formerly Invitae), Labcorp); PubMed 10399107 (cited by Labcorp Genetics (formerly Invitae), Labcorp); PubMed 18207281 (cited by Labcorp Genetics (formerly Invitae), Labcorp); PubMed 19181333 (cited by Labcorp Genetics (formerly Invitae), Labcorp); PubMed 25592817 (cited by Labcorp Genetics (formerly Invitae), Labcorp); PubMed 10408771 (cited by Mayo Clinic Laboratories, Mayo Clinic); PubMed 20008339 (cited by Mayo Clinic Laboratories, Mayo Clinic and Counsyl); PubMed 27578510 (cited by Mayo Clinic Laboratories, Mayo Clinic); PubMed 31637888 (cited by Mayo Clinic Laboratories, Mayo Clinic).